The following is an entry in ClinVar:

ClinVar aggregate classification (germline): Likely benign. Review status: criteria provided, multiple submitters, no conflicts (2 of 4 stars). 9 submissions from 6 submitters: Likely benign (9). Last evaluated 2026-02-01.

Conditions:
Congenital myopathy 18. Also called: DIHYDROPYRIDINE RECEPTOR CONGENITAL MYOPATHY; DHPR CONGENITAL MYOPATHY; Myopathy, congenital, due to dihydropyridine receptor defect. Identifiers: MedGen C5830283, MONDO:0859514, OMIM 620246.
Malignant hyperthermia, susceptibility to, 5 (MHS5). Also called: CACNA1S-Related Malignant Hyperthermia Susceptibility. Identifiers: Orphanet 423, MedGen C1866077, MONDO:0011163, OMIM 601887.
Hypokalemic periodic paralysis, type 1. Also called: HypoPP; Hypokalemic Periodic Paralysis Type 1 (AD). Identifiers: Orphanet 681, MedGen C3714580, MONDO:0042979, OMIM 170400.
Thyrotoxic periodic paralysis, susceptibility to, 1 (TTPP1). Identifiers: Orphanet 79102, MedGen C2749982, MONDO:0008570, OMIM 188580.

Allele frequency attached by ClinVar (database versions not stated): ExAC 0.00003; gnomAD 0.00003 and 0.00004; gnomAD exomes 0.00003 and 0.00004; TOPMed 0.00003.
gnomAD v4.1: 65 of 1,613,556 alleles (0.004%); highest among the groups gnomAD compares: Non-Finnish European, 0.0051%; no homozygotes.

Submissions (9):

Labcorp Genetics (formerly Invitae), Labcorp
Classification: Likely benign for Hypokalemic periodic paralysis, type 1; Malignant hyperthermia, susceptibility to, 5. Last evaluated: 2026-02-01. Review status: criteria provided, single submitter. Criteria: Invitae Variant Classification Sherloc (09022015). Collection method: clinical testing. Allele origin: germline.

All of Us Research Program, National Institutes of Health
Classification: Likely benign for Malignant hyperthermia, susceptibility to, 5. Last evaluated: 2023-12-18. Review status: criteria provided, single submitter. Criteria: ACMG Guidelines, 2015. Collection method: clinical testing. Allele origin: germline. Inheritance: Autosomal dominant inheritance. Observed: 15 variant alleles, 15 heterozygotes.
Comment: This study involves interpretation of variants in research participants for the purpose of population health screening. Participant phenotype was not available at the time of variant classification. Additional details can be found in publication PMID: 35346344, PMCID: PMC8962531

Genome-Nilou Lab
Classification: Likely benign for Malignant hyperthermia, susceptibility to, 5. Last evaluated: 2023-04-11. Review status: criteria provided, single submitter. Criteria: ACMG Guidelines, 2015. Collection method: clinical testing. Allele origin: germline. Affected: no.

Genome-Nilou Lab
Classification: Likely benign for Thyrotoxic periodic paralysis, susceptibility to, 1. Last evaluated: 2023-04-11. Review status: criteria provided, single submitter. Criteria: ACMG Guidelines, 2015. Collection method: clinical testing. Allele origin: germline. Affected: no.

Genome-Nilou Lab
Classification: Likely benign for Congenital myopathy 18. Last evaluated: 2023-04-11. Review status: criteria provided, single submitter. Criteria: ACMG Guidelines, 2015. Collection method: clinical testing. Allele origin: germline. Affected: no.

Genome-Nilou Lab
Classification: Likely benign for Hypokalemic periodic paralysis, type 1. Last evaluated: 2023-04-11. Review status: criteria provided, single submitter. Criteria: ACMG Guidelines, 2015. Collection method: clinical testing. Allele origin: germline. Affected: no.

Color Diagnostics, LLC DBA Color Health
Classification: Likely benign for Malignant hyperthermia, susceptibility to, 5. Last evaluated: 2022-11-06. Review status: criteria provided, single submitter. Criteria: ACMG Guidelines, 2015. Collection method: clinical testing. Allele origin: germline.

Fulgent Genetics
Classification: Likely benign for Hypokalemic periodic paralysis, type 1; Thyrotoxic periodic paralysis, susceptibility to, 1; Malignant hyperthermia, susceptibility to, 5. Last evaluated: 2021-07-26. Review status: criteria provided, single submitter. Criteria: ACMG Guidelines, 2015. Collection method: clinical testing. Allele origin: unknown.

GeneDx
Classification: Likely benign. Last evaluated: 2017-08-11. Review status: criteria provided, single submitter. Criteria: GeneDx Variant Classification (06012015). Collection method: clinical testing. Allele origin: germline. Affected: yes.
Comment: This variant is considered likely benign or benign based on one or more of the following criteria: it is a conservative change, it occurs at a poorly conserved position in the protein, it is predicted to be benign by multiple in silico algorithms, and/or has population frequency not consistent with disease.

NM_000069.3(CACNA1S):c.2148C>T (p.Thr716=)

Gene: CACNA1S (calcium voltage-gated channel subunit alpha1 S; minus strand). Cytogenetic location: 1q32.1.
Variant type: single nucleotide variant.
Coding change: c.2148C>T on transcript NM_000069.3 (MANE Select); coding-DNA position 2148, C replaced by T.
Protein change: p.Thr716=; no amino-acid change (threonine 716 retained).
Molecular consequence: synonymous variant.
Genome position (GRCh38, 1-based): chr1:201,073,558, G>A on the plus strand (C>T on the coding strand, the complement: CACNA1S is on the minus strand). VCF-style: chr1-201073558-G-A. GRCh37 (hg19) VCF-style: chr1-201042686-G-A.
Identifiers: ClinVar variation 383624 (VCV000383624.16), dbSNP rs747075757, ClinGen allele CA078816.